The following is an entry in ClinVar:

ClinVar aggregate classification (germline): Conflicting classifications of pathogenicity. Review status: criteria provided, conflicting classifications (1 of 4 stars). 5 submissions from 5 submitters: Pathogenic (1); Likely pathogenic (2); Uncertain significance (2). Last evaluated 2025-08-13.

Conditions:
PKHD1-related disorder. Also called: PKHD1-related condition.
Polycystic kidney disease 4 (PKD4). Also called: POLYCYSTIC KIDNEY DISEASE 4 WITH OR WITHOUT POLYCYSTIC LIVER DISEASE; Autosomal Recessive Polycystic Kidney Disease – PKHD1; PKD3; POLYCYSTIC KIDNEY AND HEPATIC DISEASE 1; POLYCYSTIC KIDNEY DISEASE, INFANTILE, TYPE I. Identifiers: MedGen C4540575, MONDO:0033004, OMIM 263200.
Autosomal recessive polycystic kidney disease (ARPKD). Also called: AR polycystic kidney disease. Identifiers: Orphanet 731, Orphanet 8378, MedGen C0085548, MeSH D017044, MONDO:0009889.

Allele frequency attached by ClinVar (database versions not stated): gnomAD exomes 0.00001 and 0.00005; TOPMed 0.00002; gnomAD 0.00003 and 0.00004; ExAC 0.00007.
gnomAD v4.1: 25 of 1,613,462 alleles (0.0015%); highest among the groups gnomAD compares: Admixed American, 0.0033%; no homozygotes.

Submissions (5):

Natera, Inc.
Classification: Likely pathogenic for Autosomal recessive polycystic kidney disease. Last evaluated: 2025-08-13. Review status: criteria provided, single submitter. Criteria: Natera Variant Classification Schema (03/2026). Collection method: clinical testing. Allele origin: germline.
Comment: The c.3089C>T variant in PKHD1 is a missense variant predicted to cause substitution of alanine to valine at amino acid 1030. This variant is rare in the general population with a frequency below the threshold expected for the associated phenotype(s). This variant has been observed in one or more individuals affected with the associated recessive disease, as either homozygous or compound heterozygous with a second variant (PMID: 16199545). Computational prediction algorithms indicate this variant is likely to affect gene or protein function. Given the available evidence, this variant is classified as Likely Pathogenic.

Myriad Genetics, Inc.
Classification: Likely pathogenic for Polycystic kidney disease 4. Last evaluated: 2025-05-29. Review status: criteria provided, single submitter. Criteria: Myriad Autosomal Dominant, Autosomal Recessive and X-Linked Classification Criteria (2023). Collection method: clinical testing. Allele origin: unknown.
Comment: NM_138694.3(PKHD1):c.3089C>T(A1030V) is a missense variant classified as likely pathogenic in the context of autosomal recessive polycystic kidney disease, PKHD1-related. A1030V has been observed in cases with relevant disease (PMID: 16199545, 40236513, 32040628, Nguyen_2024_(Abstract)). Relevant functional assessments of this variant are not available in the literature. A1030V has been observed in referenced population frequency databases. In summary, NM_138694.3(PKHD1):c.3089C>T(A1030V) is a missense variant that has been observed more frequently in cases with the relevant disease than in healthy populations. Please note: this variant was assessed in the context of healthy population screening.

GeneDx
Classification: Uncertain significance. Last evaluated: 2024-05-03. Review status: criteria provided, single submitter. Criteria: GeneDx Variant Classification Process June 2021. Collection method: clinical testing. Allele origin: germline. Affected: yes.
Comment: Identified in a patient with autosomal recessive polycystic kidney disease who did not harbor a second variant in the PKHD1 gene in published literature (PMID: 15698423); Not observed at significant frequency in large population cohorts (gnomAD); In silico analysis supports that this missense variant has a deleterious effect on protein structure/function; This variant is associated with the following publications: (PMID: 15698423)

Blueprint Genetics
Classification: Pathogenic for PKHD1-related disorders. Last evaluated: 2024-01-10. Review status: criteria provided, single submitter. Criteria: ACMG Guidelines, 2015. Collection method: clinical testing. Allele origin: germline. Affected: yes. Observed: 5 variant alleles.

Eurofins Ntd Llc (ga)
Classification: Uncertain significance. Last evaluated: 2018-02-02. Review status: criteria provided, single submitter. Criteria: EGL Classification Definitions 2015. Collection method: clinical testing. Allele origin: germline. Observed: 1 variant allele, 1 heterozygote.

Literature cited by the submitters: PubMed 16199545 (cited by Natera, Inc.).

NM_138694.4(PKHD1):c.3089C>T (p.Ala1030Val)

Gene: PKHD1 (PKHD1 ciliary IPT domain containing fibrocystin/polyductin; minus strand). Cytogenetic location: 6p12.2.
Variant type: single nucleotide variant.
Coding change: c.3089C>T on transcript NM_138694.4 (MANE Select); coding-DNA position 3089, C replaced by T.
Protein change: p.Ala1030Val; replaces alanine 1030 with valine.
Molecular consequence: missense variant.
Genome position (GRCh38, 1-based): chr6:52,042,867, G>A on the plus strand (C>T on the coding strand, the complement: PKHD1 is on the minus strand). VCF-style: chr6-52042867-G-A. GRCh37 (hg19) VCF-style: chr6-51907665-G-A.
Other names: c.3089C>T, p.Ala1030Val (NM_170724.3); short protein forms A1030V.
Identifiers: ClinVar variation 595985 (VCV000595985.14), dbSNP rs777976050, ClinGen allele CA3853051.
Genomic context (GRCh38, chr6:52,042,867, plus strand): 5'-AGAACACTAGCTTCAGAGGGTCAGACATACTGTGAGACCCTCCCCAGATTACCAATATCC[G>A]CAGCTCTGGAAGGCTCCACCATATCCAGTCTAGGTTTCACATTTAGGAAGAGGTCTTCTC-3'
Protein context (NP_619639.3, residues 1020-1040): RLDMVEPSRA[Ala1030Val]DIGGLWATIR